The following is an entry in ClinVar:

NM_012330.4(KAT6B):c.3581del (p.Gln1194fs)

Gene: KAT6B (lysine acetyltransferase 6B; plus strand). Cytogenetic location: 10q22.2.
Variant type: Deletion.
Coding change: c.3581del on transcript NM_012330.4 (MANE Select); coding-DNA position 3581, one base deleted (A; older notation c.3581delA).
Protein change: p.Gln1194fs; shifts the reading frame from glutamine 1194.
Molecular consequence: frameshift variant.
Genome position (GRCh38, 1-based): chr10:75,025,166, A deleted. VCF-style (leftmost placement, unchanged base first): chr10-75025165-CA-C. GRCh37 (hg19) VCF-style: chr10-76784923-CA-C.
Other names: c.3032del, p.Gln1011fs (NM_001256468.2, NM_001370138.1); c.2705del, p.Gln902fs (NM_001256469.2, NM_001370139.1, NM_001370140.1 and 2 more transcripts); c.2543del, p.Gln848fs (NM_001370132.1); c.1892del, p.Gln631fs (NM_001370133.1); c.1496del, p.Gln499fs (NM_001370134.1); c.1238del, p.Gln413fs (NM_001370135.1); c.3581del, p.Gln1194fs (NM_001370136.1, NM_001370137.1); c.2516del, p.Gln839fs (NM_001370143.1, NM_001370144.1); and 1 more; short protein forms Q1011fs, Q1194fs, Q499fs, Q848fs, Q902fs, Q413fs, Q631fs, Q839fs.
Identifiers: ClinVar variation 561036 (VCV000561036.4), dbSNP rs1564628365, ClinGen allele CA658822493.
Genomic context (GRCh38, chr10:75,025,165, plus strand): 5'-CCTACCTGTGAGATTGAAGTGGAGGAAGATGGCAGGAAGCCAGTCCTGAGAAAAGCATTC[CA>C]GCATCAGCCTGGGAAGAAAAGACAAACAGAGGAAGAGGAAGGAAAAGACAATCATTGCTT-3'

ClinVar aggregate classification (germline): Pathogenic. Review status: criteria provided, multiple submitters, no conflicts (2 of 4 stars). 3 submissions from 2 submitters: Pathogenic (3). Last evaluated 2024-01-01.

Conditions:
Genitopatellar syndrome (GTPTS). Also called: ABSENT PATELLAE, SCROTAL HYPOPLASIA, RENAL ANOMALIES, FACIAL DYSMORPHISM, AND MENTAL RETARDATION; Genitopatellar syndrome (GPS). Identifiers: Orphanet 85201, MedGen C1853566, MONDO:0011640, OMIM 606170.
KAT6B-related disorder. Also called: KAT6B-related disorders; KAT6B-related condition.
KAT6B-realted disoder.

Submissions (3):

Daryl Scott Lab, Baylor College of Medicine
Classification: Pathogenic for KAT6B-related disorder. Last evaluated: 2024-01-01. Review status: criteria provided, single submitter. Criteria: ACMG Guidelines, 2015. Collection method: clinical testing. Allele origin: de novo. Affected: yes. Observed: 1 heterozygote.
Comment: PVS1, PS2, PM2

Daryl Scott Lab, Baylor College of Medicine
Classification: Pathogenic for KAT6B-realted disoder. Last evaluated: 2022-02-01. Review status: criteria provided, single submitter. Criteria: ACMG Guidelines, 2015. Collection method: clinical testing. Allele origin: de novo. Affected: yes. Observed: 1 variant allele.

Baylor Genetics
Classification: Pathogenic for Genitopatellar syndrome. Last evaluated: 2017-09-01. Review status: criteria provided, single submitter. Criteria: ACMG Guidelines, 2015. Collection method: clinical testing. Allele origin: de novo. Inheritance: Autosomal dominant inheritance. Affected: yes.

Literature cited by the submitters: PubMed 36474027 (cited by Daryl Scott Lab, Baylor College of Medicine); PubMed 25326635 (cited by Baylor Genetics).